The following is an entry in ClinVar:

NM_000321.3(RB1):c.214G>A (p.Glu72Lys)

Gene: RB1 (RB transcriptional corepressor 1; plus strand). Cytogenetic location: 13q14.2.
Variant type: single nucleotide variant.
Coding change: c.214G>A on transcript NM_000321.3 (MANE Select); coding-DNA position 214, G replaced by A.
Protein change: p.Glu72Lys; replaces glutamic acid 72 with lysine.
Molecular consequence: missense variant.
Genome position (GRCh38, 1-based): chr13:48,307,356, G>A. VCF-style: chr13-48307356-G-A. GRCh37 (hg19) VCF-style: chr13-48881492-G-A.
Other names: c.214G>A, p.Glu72Lys (NM_001407165.1, NM_001407166.1, NM_001407167.1); short protein forms E72K.
Identifiers: ClinVar variation 1786720 (VCV001786720.2), dbSNP rs369833913, ClinGen allele CA034309.

ClinVar aggregate classification (germline): Uncertain significance (1 of 4 stars; one submission).

Conditions:
Hereditary cancer-predisposing syndrome. Also called: Neoplastic Syndromes, Hereditary; Tumor predisposition; Hereditary Cancer Syndrome; Hereditary neoplastic syndrome. Identifiers: Orphanet 140162, MedGen C0027672, MeSH D009386, MONDO:0015356.

Allele frequency attached by ClinVar (database versions not stated): ExAC 0.00001; ESP Exome Variant Server 0.00008.

Submission:

Ambry Genetics
Classification: Uncertain significance for Hereditary cancer-predisposing syndrome. Last evaluated: 2019-10-16. Review status: criteria provided, single submitter. Criteria: Ambry Variant Classification Scheme 2023. Collection method: clinical testing. Allele origin: germline.
Comment: The p.E72K variant (also known as c.214G>A), located in coding exon 2 of the RB1 gene, results from a G to A substitution at nucleotide position 214. The glutamic acid at codon 72 is replaced by lysine, an amino acid with similar properties. This amino acid position is well conserved in available vertebrate species. In addition, the in silico prediction for this alteration is inconclusive. Since supporting evidence is limited at this time, the clinical significance of this alteration remains unclear.